The following is an entry in ClinVar:

ClinVar aggregate classification (germline): Uncertain significance (1 of 4 stars; one submission).

Conditions:
Hereditary nonpolyposis colorectal neoplasms. Identifiers: MedGen C0009405, MeSH D003123.

Submission:

Labcorp Genetics (formerly Invitae), Labcorp
Classification: Uncertain significance for Hereditary nonpolyposis colorectal neoplasms. Last evaluated: 2022-09-03. Review status: criteria provided, single submitter. Criteria: Invitae Variant Classification Sherloc (09022015). Collection method: clinical testing. Allele origin: germline.
Comment: In summary, the available evidence is currently insufficient to determine the role of this variant in disease. Therefore, it has been classified as a Variant of Uncertain Significance. Variants that disrupt the consensus splice site are a relatively common cause of aberrant splicing (PMID: 17576681, 9536098). Algorithms developed to predict the effect of sequence changes on RNA splicing suggest that this variant is not likely to affect RNA splicing. This variant has not been reported in the literature in individuals affected with MSH6-related conditions. This variant is not present in population databases (gnomAD no frequency). This sequence change falls in intron 7 of the MSH6 gene. It does not directly change the encoded amino acid sequence of the MSH6 protein. It affects a nucleotide within the consensus splice site.

Literature cited by the submitters: PubMed 17576681; PubMed 9536098.

NM_000179.3(MSH6):c.3646+6A>G

Gene: MSH6 (mutS homolog 6; plus strand). Cytogenetic location: 2p16.3.
Variant type: single nucleotide variant.
Coding change: c.3646+6A>G on transcript NM_000179.3 (MANE Select); 6 bases into the intron after coding-DNA position 3646, A replaced by G.
Molecular consequence: intron variant.
Genome position (GRCh38, 1-based): chr2:47,805,713, A>G. VCF-style: chr2-47805713-A-G. GRCh37 (hg19) VCF-style: chr2-48032852-A-G.
Other names: c.2740+6A>G (NM_001281493.2, NM_001281494.2); c.3256+6A>G (NM_001281492.2).
Identifiers: ClinVar variation 2028828 (VCV002028828.4), dbSNP rs1669974451, ClinGen allele CA2580067266.